The following is an entry in ClinVar:

NM_001372163.1(PRRG3):c.672C>T (p.Ala224=)

Gene: PRRG3 (proline rich and Gla domain 3; plus strand). Cytogenetic location: Xq28.
Variant type: single nucleotide variant.
Coding change: c.672C>T on transcript NM_001372163.1 (MANE Select); coding-DNA position 672, C replaced by T.
Protein change: p.Ala224=; no amino-acid change (alanine 224 retained).
Molecular consequence: synonymous variant. On other transcripts: non-coding transcript variant (1).
Genome position (GRCh38, 1-based): chrX:151,701,009, C>T. VCF-style: chrX-151701009-C-T. GRCh37 (hg19) VCF-style: chrX-150869481-C-T.
Other names: c.564C>T, p.Ala188= (NM_001372165.1); c.672C>T, p.Ala224= (NM_024082.4).
Identifiers: ClinVar variation 2661648 (VCV002661648.24), dbSNP rs376614111, ClinGen allele CA10541447.

ClinVar aggregate classification (germline): Likely benign (1 of 4 stars; one submission).

Allele frequency attached by ClinVar (database versions not stated): TOPMed 0.00002; gnomAD 0.00003; gnomAD exomes 0.00005; ExAC 0.00010; ESP Exome Variant Server 0.00019.
gnomAD v4.1: 59 of 1,157,447 alleles (0.0051%); highest among the groups gnomAD compares: East Asian, 0.012%; no homozygotes.

Submission:

CeGaT Center for Human Genetics Tuebingen
Classification: Likely benign. Last evaluated: 2022-09-01. Review status: criteria provided, single submitter. Criteria: CeGaT Center For Human Genetics Tuebingen Variant Classification Criteria Version 2. Collection method: clinical testing. Allele origin: germline. Affected: yes. Observed: 1 variant allele.
Comment: PRRG3: BP4, BP7